The following is an entry in ClinVar:

ClinVar aggregate classification (germline): Uncertain significance (1 of 4 stars; one submission).

Conditions:
Pitt-Hopkins syndrome (PTHS). Also called: ENCEPHALOPATHY, SEVERE EPILEPTIC, WITH AUTONOMIC DYSFUNCTION; MENTAL RETARDATION, SYNDROMAL, WITH INTERMITTENT HYPERVENTILATION. Identifiers: Orphanet 2896, MedGen C1970431, MONDO:0012589, OMIM 610954.

Allele frequency attached by ClinVar (database versions not stated): gnomAD exomes 0.00001.
gnomAD v4.1: 3 of 1,614,130 alleles (0.00019%); highest among the groups gnomAD compares: South Asian, 0.0033%; no homozygotes.

Submission:

Labcorp Genetics (formerly Invitae), Labcorp
Classification: Uncertain significance for Pitt-Hopkins syndrome. Last evaluated: 2023-01-20. Review status: criteria provided, single submitter. Criteria: Invitae Variant Classification Sherloc (09022015). Collection method: clinical testing. Allele origin: germline.
Comment: In summary, the available evidence is currently insufficient to determine the role of this variant in disease. Therefore, it has been classified as a Variant of Uncertain Significance. Advanced modeling of protein sequence and biophysical properties (such as structural, functional, and spatial information, amino acid conservation, physicochemical variation, residue mobility, and thermodynamic stability) performed at Invitae indicates that this missense variant is not expected to disrupt TCF4 protein function. This variant has not been reported in the literature in individuals affected with TCF4-related conditions. This variant is not present in population databases (gnomAD no frequency). This sequence change replaces methionine, which is neutral and non-polar, with isoleucine, which is neutral and non-polar, at codon 668 of the TCF4 protein (p.Met668Ile).

NM_001083962.2(TCF4):c.2004G>A (p.Met668Ile)

Gene: TCF4 (transcription factor 4; minus strand). Cytogenetic location: 18q21.2.
Variant type: single nucleotide variant.
Coding change: c.2004G>A on transcript NM_001083962.2 (MANE Select); coding-DNA position 2004, G replaced by A.
Protein change: p.Met668Ile; replaces methionine 668 with isoleucine.
Molecular consequence: missense variant.
Genome position (GRCh38, 1-based): chr18:55,228,237, C>T on the plus strand (G>A on the coding strand, the complement: TCF4 is on the minus strand). VCF-style: chr18-55228237-C-T. GRCh37 (hg19) VCF-style: chr18-52895468-C-T.
Other names: c.2310G>A, p.Met770Ile (NM_001243226.3); c.1932G>A, p.Met644Ile (NM_001243227.2, NM_001348217.1, NM_001348218.2 and 1 more transcripts); c.2022G>A, p.Met674Ile (NM_001243228.2); c.1983G>A, p.Met661Ile (NM_001243230.2); c.1866G>A, p.Met622Ile (NM_001243231.2); c.1791G>A, p.Met597Ile (NM_001243232.1); c.1509G>A, p.Met503Ile (NM_001348214.2); c.1356G>A, p.Met452Ile (NM_001348215.2); and 14 more; short protein forms M534I, M622I, M508I, M643I, M668I, M770I, M452I, M504I.
Identifiers: ClinVar variation 2119445 (VCV002119445.4), dbSNP rs2511478327, ClinGen allele CA402527551.